The following is an entry in ClinVar:

ClinVar aggregate classification (germline): Benign. Review status: criteria provided, multiple submitters, no conflicts (2 of 4 stars). 2 submissions from 2 submitters: Benign (2). Last evaluated 2018-06-14.

Allele frequency attached by ClinVar (database versions not stated): gnomAD exomes 0.08567; gnomAD 0.09926 and 0.09933; TOPMed 0.10294; 1000 Genomes Project 0.11002; 1000 Genomes Project 30x 0.11446.
gnomAD v4.1: 95,940 of 1,096,420 alleles (8.8%); highest among the groups gnomAD compares: African/African-American, 16%; 4,495 homozygotes.

Submissions (33):

GeneDx
Classification: Benign. Last evaluated: 2018-06-14. Review status: criteria provided, single submitter. Criteria: GeneDx Variant Classification (06012015). Collection method: clinical testing. Allele origin: germline. Affected: yes.
Comment: This variant is considered likely benign or benign based on one or more of the following criteria: it is a conservative change, it occurs at a poorly conserved position in the protein, it is predicted to be benign by multiple in silico algorithms, and/or has population frequency not consistent with disease.

Breakthrough Genomics
Classification: Benign. Review status: criteria provided, single submitter. Criteria: ACMG Guidelines, 2015. Collection method: not provided. Allele origin: germline. Inheritance: Autosomal dominant inheritance. Affected: yes.

Dr. Peter K. Rogan Lab, Western University
No classification provided (evidence only). Condition: Ovarian cancer. Review status: no classification provided. Collection method: in vitro. Allele origin: not applicable. Functional consequence: retained intron. Not counted in ClinVar's aggregate classification.

Dr. Peter K. Rogan Lab, Western University
No classification provided (evidence only). Condition: Ovarian cancer. Review status: no classification provided. Collection method: in vitro. Allele origin: not applicable. Functional consequence: retained intron. Not counted in ClinVar's aggregate classification.

Dr. Peter K. Rogan Lab, Western University
No classification provided (evidence only). Condition: Malignant lymphoma, large B-cell, diffuse. Review status: no classification provided. Collection method: in vitro. Allele origin: not applicable. Functional consequence: retained intron. Not counted in ClinVar's aggregate classification.

Dr. Peter K. Rogan Lab, Western University
No classification provided (evidence only). Condition: Thymoma. Review status: no classification provided. Collection method: in vitro. Allele origin: not applicable. Functional consequence: retained intron. Not counted in ClinVar's aggregate classification.

Dr. Peter K. Rogan Lab, Western University
No classification provided (evidence only). Condition: Cholangiocarcinoma. Review status: no classification provided. Collection method: in vitro. Allele origin: not applicable. Functional consequence: retained intron. Not counted in ClinVar's aggregate classification.

Dr. Peter K. Rogan Lab, Western University
No classification provided (evidence only). Condition: Cholangiocarcinoma. Review status: no classification provided. Collection method: in vitro. Allele origin: not applicable. Functional consequence: retained intron. Not counted in ClinVar's aggregate classification.

Dr. Peter K. Rogan Lab, Western University
No classification provided (evidence only). Condition: Gastric cancer. Review status: no classification provided. Collection method: in vitro. Allele origin: not applicable. Functional consequence: retained intron. Not counted in ClinVar's aggregate classification.

Dr. Peter K. Rogan Lab, Western University
No classification provided (evidence only). Condition: Chronic lymphocytic leukemia/small lymphocytic lymphoma. Review status: no classification provided. Collection method: in vitro. Allele origin: not applicable. Functional consequence: retained intron. Not counted in ClinVar's aggregate classification.

Dr. Peter K. Rogan Lab, Western University
No classification provided (evidence only). Condition: Chronic lymphocytic leukemia/small lymphocytic lymphoma. Review status: no classification provided. Collection method: in vitro. Allele origin: not applicable. Functional consequence: retained intron. Not counted in ClinVar's aggregate classification.

Dr. Peter K. Rogan Lab, Western University
No classification provided (evidence only). Condition: Chronic lymphocytic leukemia/small lymphocytic lymphoma. Review status: no classification provided. Collection method: in vitro. Allele origin: not applicable. Functional consequence: skipped exon. Not counted in ClinVar's aggregate classification.

Dr. Peter K. Rogan Lab, Western University
No classification provided (evidence only). Condition: Nonpapillary renal cell carcinoma. Review status: no classification provided. Collection method: in vitro. Allele origin: not applicable. Functional consequence: retained intron. Not counted in ClinVar's aggregate classification.

Dr. Peter K. Rogan Lab, Western University
No classification provided (evidence only). Condition: Nonpapillary renal cell carcinoma. Review status: no classification provided. Collection method: in vitro. Allele origin: not applicable. Functional consequence: retained intron. Not counted in ClinVar's aggregate classification.

Dr. Peter K. Rogan Lab, Western University
No classification provided (evidence only). Condition: Nonpapillary renal cell carcinoma. Review status: no classification provided. Collection method: in vitro. Allele origin: not applicable. Functional consequence: retained intron. Not counted in ClinVar's aggregate classification.

Dr. Peter K. Rogan Lab, Western University
No classification provided (evidence only). Condition: Nonpapillary renal cell carcinoma. Review status: no classification provided. Collection method: in vitro. Allele origin: not applicable. Functional consequence: retained intron. Not counted in ClinVar's aggregate classification.

Dr. Peter K. Rogan Lab, Western University
No classification provided (evidence only). Condition: Familial pancreatic carcinoma. Review status: no classification provided. Collection method: in vitro. Allele origin: not applicable. Functional consequence: retained intron. Not counted in ClinVar's aggregate classification.

Dr. Peter K. Rogan Lab, Western University
No classification provided (evidence only). Condition: Familial pancreatic carcinoma. Review status: no classification provided. Collection method: in vitro. Allele origin: not applicable. Functional consequence: retained intron. Not counted in ClinVar's aggregate classification.

Dr. Peter K. Rogan Lab, Western University
No classification provided (evidence only). Condition: Familial pancreatic carcinoma. Review status: no classification provided. Collection method: in vitro. Allele origin: not applicable. Functional consequence: retained intron. Not counted in ClinVar's aggregate classification.

Dr. Peter K. Rogan Lab, Western University
No classification provided (evidence only). Condition: Familial pancreatic carcinoma. Review status: no classification provided. Collection method: in vitro. Allele origin: not applicable. Functional consequence: retained intron. Not counted in ClinVar's aggregate classification.

Dr. Peter K. Rogan Lab, Western University
No classification provided (evidence only). Condition: Familial pancreatic carcinoma. Review status: no classification provided. Collection method: in vitro. Allele origin: not applicable. Functional consequence: retained intron. Not counted in ClinVar's aggregate classification.

Dr. Peter K. Rogan Lab, Western University
No classification provided (evidence only). Condition: Familial pancreatic carcinoma. Review status: no classification provided. Collection method: in vitro. Allele origin: not applicable. Functional consequence: retained intron. Not counted in ClinVar's aggregate classification.

Dr. Peter K. Rogan Lab, Western University
No classification provided (evidence only). Condition: Hepatocellular carcinoma. Review status: no classification provided. Collection method: in vitro. Allele origin: not applicable. Functional consequence: retained intron. Not counted in ClinVar's aggregate classification.

Dr. Peter K. Rogan Lab, Western University
No classification provided (evidence only). Condition: Hepatocellular carcinoma. Review status: no classification provided. Collection method: in vitro. Allele origin: not applicable. Functional consequence: retained intron. Not counted in ClinVar's aggregate classification.

Dr. Peter K. Rogan Lab, Western University
No classification provided (evidence only). Condition: Hepatocellular carcinoma. Review status: no classification provided. Collection method: in vitro. Allele origin: not applicable. Functional consequence: retained intron. Not counted in ClinVar's aggregate classification.

Dr. Peter K. Rogan Lab, Western University
No classification provided (evidence only). Condition: Lymphoma. Review status: no classification provided. Collection method: in vitro. Allele origin: not applicable. Functional consequence: retained intron. Not counted in ClinVar's aggregate classification.

Dr. Peter K. Rogan Lab, Western University
No classification provided (evidence only). Condition: Lymphoma. Review status: no classification provided. Collection method: in vitro. Allele origin: not applicable. Functional consequence: retained intron. Not counted in ClinVar's aggregate classification.

Dr. Peter K. Rogan Lab, Western University
No classification provided (evidence only). Condition: Lymphoma. Review status: no classification provided. Collection method: in vitro. Allele origin: not applicable. Functional consequence: retained intron. Not counted in ClinVar's aggregate classification.

Dr. Peter K. Rogan Lab, Western University
No classification provided (evidence only). Condition: Lymphoma. Review status: no classification provided. Collection method: in vitro. Allele origin: not applicable. Functional consequence: retained intron. Not counted in ClinVar's aggregate classification.

Dr. Peter K. Rogan Lab, Western University
No classification provided (evidence only). Condition: Lymphoma. Review status: no classification provided. Collection method: in vitro. Allele origin: not applicable. Functional consequence: retained intron. Not counted in ClinVar's aggregate classification.

Dr. Peter K. Rogan Lab, Western University
No classification provided (evidence only). Condition: Lymphoma. Review status: no classification provided. Collection method: in vitro. Allele origin: not applicable. Functional consequence: retained intron. Not counted in ClinVar's aggregate classification.

Dr. Peter K. Rogan Lab, Western University
No classification provided (evidence only). Condition: Ovarian cancer. Review status: no classification provided. Collection method: in vitro. Allele origin: not applicable. Functional consequence: retained intron. Not counted in ClinVar's aggregate classification.

Dr. Peter K. Rogan Lab, Western University
No classification provided (evidence only). Condition: Ovarian cancer. Review status: no classification provided. Collection method: in vitro. Allele origin: not applicable. Functional consequence: retained intron. Not counted in ClinVar's aggregate classification.

NM_001098511.3(KIF2A):c.457+81G>A

Gene: KIF2A (kinesin family member 2A; plus strand). Cytogenetic location: 5q12.1.
Variant type: single nucleotide variant.
Coding change: c.457+81G>A on transcript NM_001098511.3 (MANE Select); 81 bases into the intron after coding-DNA position 457, G replaced by A.
Molecular consequence: intron variant.
Genome position (GRCh38, 1-based): chr5:62,352,791, G>A. VCF-style: chr5-62352791-G-A. GRCh37 (hg19) VCF-style: chr5-61648618-G-A.
Other names: NC_000005.9:g.61648618G>A; c.376+81G>A (NM_001243952.2); c.457+81G>A (NM_004520.5); c.400+138G>A (NM_001243953.2).
Identifiers: ClinVar variation 672375 (VCV000672375.3), dbSNP rs55951418, ClinGen allele CA120080787.
Genomic context (GRCh38, chr5:62,352,791, plus strand): 5'-GGATTTAGTCATTTTAGGCATACATGTATTCTCTCTTGGTCATCCTTTTAAGTCCTCAAA[G>A]AGTAAACACTCTAAATACAAGCTTGATTGCAGATTTCATTTTACCACTGTGGAAAATTTA-3'